The following is an entry in ClinVar:

NM_001267550.2(TTN):c.65462del (p.Ala21821fs)

Genes: TTN (titin; minus strand), TTN-AS1 (TTN antisense RNA 1; plus strand). Cytogenetic location: 2q31.2.
Variant type: Deletion.
Coding change: c.65462del on transcript NM_001267550.2 (MANE Select); coding-DNA position 65462, one base deleted (C; older notation c.65462delC).
Protein change: p.Ala21821fs; shifts the reading frame from alanine 21821.
Molecular consequence: frameshift variant. On other transcripts: non-coding transcript variant (1).
Genome position (GRCh38, 1-based): chr2:178,583,720, G deleted on the plus strand (C on the coding strand, the reverse complement: TTN is on the minus strand). VCF-style (leftmost placement, unchanged base first): chr2-178583719-AG-A. GRCh37 (hg19) VCF-style: chr2-179448446-AG-A.
Other names: c.60539del, p.Ala20180fs (NM_001256850.1); c.38267del, p.Ala12756fs (NM_003319.4); c.57758del, p.Ala19253fs (NM_133378.4); c.38642del, p.Ala12881fs (NM_133432.3); c.38843del, p.Ala12948fs (NM_133437.4); c.60539delC (NM_001256850.1); c.65462del (NM_001267550.1); short protein forms A21821fs, A12756fs, A12948fs, A12881fs, A19253fs, A20180fs.
Identifiers: ClinVar variation 817290 (VCV000817290.5), dbSNP rs1575960197, ClinGen allele CA915942247.

ClinVar aggregate classification (germline): Pathogenic/Likely pathogenic. Review status: criteria provided, multiple submitters, no conflicts (2 of 4 stars). 2 submissions from 2 submitters: Pathogenic (1); Likely pathogenic (1). Last evaluated 2026-10-20.

Conditions:
Autosomal recessive limb-girdle muscular dystrophy type 2J (LGMDR10). Also called: Limb-girdle muscular dystrophy, type 2J; MUSCULAR DYSTROPHY, LIMB-GIRDLE, AUTOSOMAL RECESSIVE 10. Identifiers: Orphanet 140922, MedGen C1837342, MONDO:0012127, OMIM 608807.
Dilated cardiomyopathy 1G (CMD1G). Identifiers: Orphanet 154, MedGen C1858763, MONDO:0011400, OMIM 604145.

Submissions (2):

GeneDx
Classification: Pathogenic. Last evaluated: 2026-10-20. Review status: criteria provided, single submitter. Criteria: GeneDx Variant Classification Process June 2021. Collection method: clinical testing. Allele origin: germline.
Comment: Frameshift variant predicted to result in protein truncation or nonsense mediated decay in a gene for which loss of function is a known mechanism of disease; Not observed at significant frequency in large population cohorts (gnomAD); Has not been previously published as pathogenic or benign to our knowledge; Located in the A-band, a region of TTN for which truncating variants are significantly associated with autosomal dominant cardiomyopathy and also with autosomal recessive skeletal myopathies (PMID: 22335739, 32778822); This variant is associated with the following publications: (PMID: 24575448, 22335739, 32778822)

Labcorp Genetics (formerly Invitae), Labcorp
Classification: Likely pathogenic for Dilated cardiomyopathy 1G; Autosomal recessive limb-girdle muscular dystrophy type 2J. Last evaluated: 2025-08-03. Review status: criteria provided, single submitter. Criteria: Invitae Variant Classification Sherloc (09022015). Collection method: clinical testing. Allele origin: germline.
Comment: This sequence change creates a premature translational stop signal (p.Ala21821Valfs*4) in the TTN gene. While this is not anticipated to result in nonsense mediated decay, it is expected to create a truncated TTN protein. This variant is not present in population databases (gnomAD no frequency). This variant has not been reported in the literature in individuals affected with TTN-related conditions. ClinVar contains an entry for this variant (Variation ID: 817290). This variant is located in the A band of TTN (PMID: 25589632). Truncating variants in this region are significantly overrepresented in patients affected with dilated cardiomyopathy (PMID: 25589632). Truncating variants in this region have also been reported in individuals affected with autosomal recessive centronuclear myopathy (PMID: 23975875). In summary, the currently available evidence indicates that the variant is pathogenic, but additional data are needed to prove that conclusively. Therefore, this variant has been classified as Likely Pathogenic.

Literature cited by the submitters: PubMed 25589632 (cited by Labcorp Genetics (formerly Invitae), Labcorp); PubMed 23975875 (cited by Labcorp Genetics (formerly Invitae), Labcorp).